The following is an entry in ClinVar:

ClinVar aggregate classification (germline): Likely benign (1 of 4 stars; one submission).

Submission:

CeGaT Center for Human Genetics Tuebingen
Classification: Likely benign. Last evaluated: 2023-10-01. Review status: criteria provided, single submitter. Criteria: CeGaT Center For Human Genetics Tuebingen Variant Classification Criteria Version 2. Collection method: clinical testing. Allele origin: germline. Affected: yes. Observed: 1 variant allele.
Comment: MFF: PM2:Supporting, BP4, BP7

NM_001277062.2(MFF):c.261G>A (p.Leu87=)

Gene: MFF (mitochondrial fission factor; plus strand). Cytogenetic location: 2q36.3.
Variant type: single nucleotide variant.
Coding change: c.261G>A on transcript NM_001277062.2 (MANE Select); coding-DNA position 261, G replaced by A.
Protein change: p.Leu87=; no amino-acid change (leucine 87 retained).
Molecular consequence: synonymous variant. On other transcripts: non-coding transcript variant (1).
Genome position (GRCh38, 1-based): chr2:227,332,498, G>A. VCF-style: chr2-227332498-G-A. GRCh37 (hg19) VCF-style: chr2-228197214-G-A.
Other names: c.339G>A, p.Leu113= (NM_020194.5, NM_001277061.2); c.261G>A, p.Leu87= (NM_001277063.2, NM_001277064.2, NM_001277065.2 and 2 more transcripts); c.111G>A, p.Leu37= (NM_001277067.1).
Identifiers: ClinVar variation 2651958 (VCV002651958.24), dbSNP rs925309145, ClinGen allele CA66640271.